The following is an entry in ClinVar:

ClinVar aggregate classification (germline): Likely benign (0 of 4 stars; one submission).

Conditions:
ATP2C2-related disorder. Also called: ATP2C2-related condition.

Allele frequency attached by ClinVar (database versions not stated): ExAC 0.00007; ESP Exome Variant Server 0.00008; gnomAD 0.00016; TOPMed 0.00018.
gnomAD v4.1: 126 of 1,614,188 alleles (0.0078%); highest among the groups gnomAD compares: African/African-American, 0.053%; no homozygotes.

Submission:

PreventionGenetics, part of Exact Sciences
Classification: Likely benign for ATP2C2-related condition. Last evaluated: 2019-05-15. Review status: no assertion criteria provided. Collection method: clinical testing. Allele origin: germline.
Comment: This variant is classified as likely benign based on ACMG/AMP sequence variant interpretation guidelines (Richards et al. 2015 PMID: 25741868, with internal and published modifications).

NM_014861.4(ATP2C2):c.2526G>A (p.Thr842=)

Genes: ATP2C2 (ATPase secretory pathway Ca2+ transporting 2; plus strand), ATP2C2-AS1 (ATP2C2 antisense RNA 1; minus strand), LOC126862427 (CDK7 strongly-dependent group 2 enhancer GRCh37_chr16:84494562-84495761; plus strand). Cytogenetic location: 16q24.1.
Variant type: single nucleotide variant.
Coding change: c.2526G>A on transcript NM_014861.4 (MANE Select); coding-DNA position 2526, G replaced by A.
Protein change: p.Thr842=; no amino-acid change (threonine 842 retained).
Molecular consequence: synonymous variant. On other transcripts: non-coding transcript variant (1).
Genome position (GRCh38, 1-based): chr16:84,461,758, G>A. VCF-style: chr16-84461758-G-A. GRCh37 (hg19) VCF-style: chr16-84495364-G-A.
Other names: c.2613G>A, p.Thr871= (NM_001286527.3); c.2073G>A, p.Thr691= (NM_001291454.2).
Identifiers: ClinVar variation 3041238 (VCV003041238.2), dbSNP rs374219008, ClinGen allele CA8208469.